The following is an entry in ClinVar:

ClinVar aggregate classification (germline): Uncertain significance (1 of 4 stars; one submission).

Allele frequency attached by ClinVar (database versions not stated): gnomAD 0.00001; TOPMed 0.00001.
gnomAD v4.1: 3 of 1,543,990 alleles (0.00019%); highest among the groups gnomAD compares: Non-Finnish European, 0.00026%; no homozygotes.

Submission:

Labcorp Genetics (formerly Invitae), Labcorp
Classification: Uncertain significance. Last evaluated: 2021-01-13. Review status: criteria provided, single submitter. Criteria: Invitae Variant Classification Sherloc (09022015). Collection method: clinical testing. Allele origin: germline.
Comment: This sequence change replaces glycine with serine at codon 481 of the FSCN2 protein (p.Gly481Ser). The glycine residue is highly conserved and there is a small physicochemical difference between glycine and serine. In summary, the available evidence is currently insufficient to determine the role of this variant in disease. Therefore, it has been classified as a Variant of Uncertain Significance. Algorithms developed to predict the effect of missense changes on protein structure and function (SIFT, PolyPhen-2, Align-GVGD) all suggest that this variant is likely to be tolerated, but these predictions have not been confirmed by published functional studies and their clinical significance is uncertain. This variant has not been reported in the literature in individuals with FSCN2-related conditions. The frequency data for this variant in the population databases is considered unreliable, as metrics indicate insufficient coverage at this position in the ExAC database.

NM_012418.4(FSCN2):c.1369G>A (p.Gly457Ser)

Gene: FSCN2 (fascin actin-bundling protein 2, retinal; plus strand). Cytogenetic location: 17q25.3.
Variant type: single nucleotide variant.
Coding change: c.1369G>A on transcript NM_012418.4 (MANE Select); coding-DNA position 1369, G replaced by A.
Protein change: p.Gly457Ser; replaces glycine 457 with serine.
Molecular consequence: missense variant.
Genome position (GRCh38, 1-based): chr17:81,536,970, G>A. VCF-style: chr17-81536970-G-A. GRCh37 (hg19) VCF-style: chr17-79503996-G-A.
Other names: c.1441G>A, p.Gly481Ser (NM_001077182.3); short protein forms G457S, G481S.
Identifiers: ClinVar variation 1060927 (VCV001060927.9), dbSNP rs1347816093, ClinGen allele CA401478757.